The following is an entry in ClinVar:

ClinVar aggregate classification (germline): Pathogenic. Review status: reviewed by expert panel (3 of 4 stars). 6 submissions from 6 submitters: Pathogenic (1). 5 of the submissions do not count toward it. Last evaluated 2015-08-10.

Conditions:
Hereditary cancer-predisposing syndrome. Also called: Neoplastic Syndromes, Hereditary; Hereditary neoplastic syndrome; Hereditary Cancer Syndrome; Tumor predisposition. Identifiers: Orphanet 140162, MedGen C0027672, MeSH D009386, MONDO:0015356.
Breast-ovarian cancer, familial, susceptibility to, 1 (BROVCA1). Also called: BRCA1 Hereditary Breast and Ovarian Cancer; OVARIAN CANCER, SUSCEPTIBILITY TO. Identifiers: Orphanet 145, MedGen C2676676, MONDO:0011450, OMIM 604370. Disease mechanism: loss of function.
Hereditary breast ovarian cancer syndrome. Also called: BRCA1- and BRCA2-Associated Hereditary Breast and Ovarian Cancer; Hereditary breast and ovarian cancer syndrome (HBOC); Hereditary breast and ovarian cancer syndrome; Hereditary breast and/or ovarian cancer syndrome; Breast and ovarian cancer; Hereditary breast and ovarian cancer. Identifiers: Orphanet 145, MedGen C0677776, MeSH D061325, MONDO:0003582. Disease mechanism: loss of function.

Submissions (6):

Evidence-based Network for the Interpretation of Germline Mutant Alleles (ENIGMA)
Classification: Pathogenic for Breast-ovarian cancer, familial 1. Last evaluated: 2015-08-10. Review status: reviewed by expert panel. Criteria: ENIGMA BRCA1/2 Classification Criteria (2015). Collection method: curation. Allele origin: germline.
Comment: IARC class based on posterior probability from multifactorial likelihood analysis, thresholds for class as per Plon et al. 2008 (PMID: 18951446). Class 5 based on posterior probability = 1

Ambry Genetics
Classification: Likely pathogenic for Hereditary cancer-predisposing syndrome. Last evaluated: 2026-08-11. Review status: criteria provided, single submitter. Criteria: Ambry Variant Classification Scheme 2023. Collection method: clinical testing. Allele origin: germline. Not counted in ClinVar's aggregate classification.
Comment: The c.302-1G>C intronic variant results from a G to C substitution one nucleotide upstream from coding exon 5 of the BRCA1 gene. Also designated as IVS6-1G>C, this alteration has been reported in several breast and/or ovarian cancer cohorts (Judkins T et al. Cancer Res, 2005 Nov;65:10096-103; Buleje J et al. Mol Genet Genomic Med, 2017 Sep;5:481-494; Eoh KJ et al. Cancer Res Treat, 2018 Jul;50:917-925; Park JS et al. Clin Breast Cancer, 2018 10;18:362-373.e1; Laitman Y et al. Hum Mutat, 2019 11;40:e1-e23; Herzog JS et al. NPJ Breast Cancer. 2021 Aug;7(1):107). This alteration was classified as pathogenic by multifactorial analysis, which integrates the following lines of evidence to produce a quantitative likelihood of pathogenicity: in silico prediction models, segregation with disease, tumor characteristics, and mutation co-occurrence (Easton DF et al. Am J Hum Genet, 2007 Nov;81:873-83; Lindor NM et al. Hum Mutat, 2012 Jan;33:8-21). This nucleotide position is highly conserved in available vertebrate species. In silico splice site analysis predicts that this alteration will weaken the native splice acceptor site and will result in the creation or strengthening of a novel splice acceptor site. RNA studies have demonstrated that this alteration results in abnormal splicing in the set of samples tested (Ambry internal data). As such, this alteration is classified as likely pathogenic.

Color Diagnostics, LLC DBA Color Health
Classification: Pathogenic for Hereditary cancer-predisposing syndrome. Last evaluated: 2021-09-09. Review status: criteria provided, single submitter. Criteria: ACMG Guidelines, 2015. Collection method: clinical testing. Allele origin: germline. Not counted in ClinVar's aggregate classification.
Comment: This variant causes a G to C nucleotide substitution at the -1 position of intron 5 of the BRCA1 gene. RNA studies have shown that this variant causes out-of-frame skipping of exon 6, resulting in premature truncation (PMID: 28944232). This variant has been reported in individuals affected with breast cancer (PMID: 16267036, 28944232; Color internal data). This variant has not been identified in the general population by the Genome Aggregation Database (gnomAD). A multifactorial analysis has reported a family history likelihood ratio for pathogenicity of 1.84 (PMID: 17924331). Loss of BRCA1 function is a known mechanism of disease. Based on the available evidence, this variant is classified as Pathogenic.

Women's Health and Genetics/Laboratory Corporation of America, LabCorp
Classification: Pathogenic for Hereditary breast and ovarian cancer syndrome. Last evaluated: 2019-07-29. Review status: criteria provided, single submitter. Criteria: LabCorp Variant Classification Summary - May 2015. Collection method: clinical testing. Allele origin: germline. Not counted in ClinVar's aggregate classification.
Comment: Variant summary: BRCA1 c.302-1G>C is located in a canonical splice-site and is predicted to affect mRNA splicing resulting in a significantly altered protein due to either exon skipping, shortening, or inclusion of intronic material. Several computational tools predict a significant impact on normal splicing: Five predict the variant abolishes a 3' acceptor site. Experimental evidence support these predictions demonstrating this variant to generate a transcript lacking exon 7, with the inclusion of seven new amino acids in the BRCA1 protein and the appearance of premature stop codon in position 148 (p.Q141EfsX8) (Buleje_2017). The variant was absent in 250608 control chromosomes (gnomAD). c.302-1G>C has been reported in the literature in multiple individuals affected with Hereditary Breast and Ovarian Cancer (Buleje_2017, Eoh_2018, Park_2018). These data indicate that the variant is very likely to be associated with disease. Two ClinVar submitters including an expert panel (ENIGMA) (evaluation after 2014) cite the variant as pathogenic. Based on the evidence outlined above, the variant was classified as pathogenic.

Labcorp Genetics (formerly Invitae), Labcorp
Classification: Pathogenic for Hereditary breast ovarian cancer syndrome. Last evaluated: 2018-10-29. Review status: criteria provided, single submitter. Criteria: Invitae Variant Classification Sherloc (09022015). Collection method: clinical testing. Allele origin: germline. Not counted in ClinVar's aggregate classification.
Comment: Experimental studies have shown that this intronic change leads to skipping of exon 6 (referred to as exon 7 in the paper) and creates a premature stop codon (PMID: 28944232). For these reasons, this variant has been classified as Pathogenic. Donor and acceptor splice site variants typically lead to a loss of protein function (PMID: 16199547), and loss-of-function variants in BRCA1 are known to be pathogenic (PMID: 20104584). Based on a multifactorial likelihood algorithm using genetic and clinical data, this variant has been determined to have a high probability of being pathogenic (PMID: 17924331, 21990134). This variant has been observed to segregate with breast cancer in an affected family (PMID: 28944232). This variant is also known as IVS6-1G>C in the literature. ClinVar contains an entry for this variant (Variation ID: 54751). This variant is not present in population databases (ExAC no frequency). This sequence change affects an acceptor splice site in intron 5 of the BRCA1 gene. It is expected to disrupt RNA splicing and likely results in an absent or disrupted protein product.

Centro de Genética y Biología Molecular, Universidad de San Martín de Porres
Classification: Pathogenic for Breast-ovarian cancer, familial, susceptibility to, 1. Last evaluated: 2015-07-15. Review status: no assertion criteria provided. Collection method: research. Allele origin: not applicable. Inheritance: Autosomal dominant inheritance. Study: Mutational analysis of BRCA1 and BRCA2 genes in peruvian families with hereditary breast and ovarian cancer. Not counted in ClinVar's aggregate classification.

Literature cited by the submitters: PubMed 21990134 (cited by 4 submitters); PubMed 16267036 (cited by 3 submitters); PubMed 17924331 (cited by 4 submitters); PubMed 28944232 (cited by 4 submitters); PubMed 29020732 (cited by Ambry Genetics and Women's Health and Genetics/Laboratory Corporation of America, LabCorp); PubMed 29673794 (cited by Ambry Genetics and Women's Health and Genetics/Laboratory Corporation of America, LabCorp); PubMed 31209999 (cited by Ambry Genetics and Women's Health and Genetics/Laboratory Corporation of America, LabCorp); PubMed 34413315 (cited by Ambry Genetics); PubMed 16199547 (cited by Labcorp Genetics (formerly Invitae), Labcorp); PubMed 20104584 (cited by Labcorp Genetics (formerly Invitae), Labcorp).

NM_007294.4(BRCA1):c.302-1G>C

Gene: BRCA1 (BRCA1 DNA repair associated; minus strand). Cytogenetic location: 17q21.31.
Variant type: single nucleotide variant.
Coding change: c.302-1G>C on transcript NM_007294.4 (MANE Select); the canonical splice acceptor site of the intron before coding-DNA position 302, G replaced by C.
Molecular consequence: splice acceptor variant. On other transcripts: intron variant (2).
Genome position (GRCh38, 1-based): chr17:43,104,262, C>G on the plus strand (G>C on the coding strand, the complement: BRCA1 is on the minus strand). VCF-style: chr17-43104262-C-G. GRCh37 (hg19) VCF-style: chr17-41256279-C-G.
Other names: IVS6-1G>C; c.161-1G>C (NM_001408466.1, NM_001408452.1, NM_001407850.1 and 99 more transcripts); c.302-1G>C (NM_001407973.1, NM_001407596.1, NM_001407649.1 and 164 more transcripts); c.-218-9402G>C (NM_001407966.1, NM_001407967.1); c.-80-1G>C (NM_001407963.1, NM_001407960.1, NM_001407965.1 and 4 more transcripts); c.92-1G>C (NM_001408492.1, NM_001407889.1, NM_001408513.1 and 58 more transcripts); c.224-1G>C (NM_001408413.1, NM_001407660.1, NM_001407661.1 and 21 more transcripts); c.293-1G>C (NM_001407646.1, NM_001408408.1, NM_001407647.1); and 1 more.
Identifiers: ClinVar variation 54751 (VCV000054751.18), dbSNP rs80358116, ClinGen allele CA001975.